The following is an entry in ClinVar:

ClinVar aggregate classification (germline): Uncertain significance (1 of 4 stars; one submission).

Allele frequency attached by ClinVar (database versions not stated): gnomAD exomes 0.00001; ExAC 0.00002; gnomAD 0.00002; TOPMed 0.00002.
gnomAD v4.1: 7 of 1,613,200 alleles (0.00043%); highest among the groups gnomAD compares: East Asian, 0.0067%; no homozygotes.

Submission:

Labcorp Genetics (formerly Invitae), Labcorp
Classification: Uncertain significance. Last evaluated: 2022-06-09. Review status: criteria provided, single submitter. Criteria: Invitae Variant Classification Sherloc (09022015). Collection method: clinical testing. Allele origin: germline.
Comment: This variant has not been reported in the literature in individuals affected with ABRAXAS1-related conditions. In summary, the available evidence is currently insufficient to determine the role of this variant in disease. Therefore, it has been classified as a Variant of Uncertain Significance. Algorithms developed to predict the effect of sequence changes on RNA splicing suggest that this variant may disrupt the consensus splice site. Algorithms developed to predict the effect of missense changes on protein structure and function are either unavailable or do not agree on the potential impact of this missense change (SIFT: "Deleterious"; PolyPhen-2: "Possibly Damaging"; Align-GVGD: "Class C0"). ClinVar contains an entry for this variant (Variation ID: 1015184). This variant is present in population databases (rs779497289, gnomAD 0.01%). This sequence change replaces arginine, which is basic and polar, with cysteine, which is neutral and slightly polar, at codon 104 of the ABRAXAS1 protein (p.Arg104Cys).

NM_139076.3(ABRAXAS1):c.310C>T (p.Arg104Cys)

Gene: ABRAXAS1 (abraxas 1, BRCA1 A complex subunit; minus strand). Cytogenetic location: 4q21.23.
Variant type: single nucleotide variant.
Coding change: c.310C>T on transcript NM_139076.3 (MANE Select); coding-DNA position 310, C replaced by T.
Protein change: p.Arg104Cys; replaces arginine 104 with cysteine.
Molecular consequence: missense variant. On other transcripts: 5 prime UTR variant (1).
Genome position (GRCh38, 1-based): chr4:83,470,369, G>A on the plus strand (C>T on the coding strand, the complement: ABRAXAS1 is on the minus strand). VCF-style: chr4-83470369-G-A. GRCh37 (hg19) VCF-style: chr4-84391522-G-A.
Other names: c.-18C>T (NM_001345962.2); short protein forms R104C.
Identifiers: ClinVar variation 1015184 (VCV001015184.6), dbSNP rs779497289, ClinGen allele CA2990576.